The following is an entry in ClinVar:

NM_177531.6(PKHD1L1):c.2400A>G (p.Arg800=)

Gene: PKHD1L1 (PKHD1 like 1; plus strand). Cytogenetic location: 8q23.1.
Variant type: single nucleotide variant.
Coding change: c.2400A>G on transcript NM_177531.6 (MANE Select); coding-DNA position 2400, A replaced by G.
Protein change: p.Arg800=; no amino-acid change (arginine 800 retained).
Molecular consequence: synonymous variant.
Genome position (GRCh38, 1-based): chr8:109,419,136, A>G. VCF-style: chr8-109419136-A-G. GRCh37 (hg19) VCF-style: chr8-110431365-A-G.
Identifiers: ClinVar variation 4978903 (VCV004978903.1).

ClinVar aggregate classification (germline): Likely benign (1 of 4 stars; one submission).

Conditions:
PKHD1L1-related disorder. Also called: PKHD1L1-related condition.

gnomAD v4.1: 128 of 1,613,614 alleles (0.0079%); highest among the groups gnomAD compares: Admixed American, 0.15%; 2 homozygotes.

Submission:

PreventionGenetics, part of Exact Sciences
Classification: Likely benign for PKHD1L1-related condition. Last evaluated: 2024-10-26. Review status: criteria provided, single submitter. Criteria: ACMG Guidelines, 2015. Collection method: clinical testing. Allele origin: germline.
Comment: This variant is classified as likely benign based on ACMG/AMP sequence variant interpretation guidelines (Richards et al. 2015 PMID: 25741868, with internal and published modifications).